The following is an entry in ClinVar:

NM_197968.4(ZMYM2):c.2811A>G (p.Leu937=)

Gene: ZMYM2 (zinc finger MYM-type containing 2; plus strand). Cytogenetic location: 13q12.11.
Variant type: single nucleotide variant.
Coding change: c.2811A>G on transcript NM_197968.4 (MANE Select); coding-DNA position 2811, A replaced by G.
Protein change: p.Leu937=; no amino-acid change (leucine 937 retained).
Molecular consequence: synonymous variant. On other transcripts: non-coding transcript variant (1).
Genome position (GRCh38, 1-based): chr13:20,061,124, A>G. VCF-style: chr13-20061124-A-G. GRCh37 (hg19) VCF-style: chr13-20635264-A-G.
Other names: c.2811A>G, p.Leu937= (NM_001190964.4, NM_001190965.4, NM_001353157.2 and 5 more transcripts); c.2616A>G, p.Leu872= (NM_001353161.3); c.2550A>G, p.Leu850= (NM_001353163.2).
Identifiers: ClinVar variation 3049022 (VCV003049022.2), dbSNP rs200823271, ClinGen allele CA6903699.

ClinVar aggregate classification (germline): Likely benign (0 of 4 stars; one submission).

Conditions:
ZMYM2-related disorder. Also called: ZMYM2-related condition.

Allele frequency attached by ClinVar (database versions not stated): gnomAD exomes 0.00008; ExAC 0.00026; 1000 Genomes Project 30x 0.00031; 1000 Genomes Project 0.00040; ESP Exome Variant Server 0.00041; gnomAD 0.00103; TOPMed 0.00108.
gnomAD v4.1: 292 of 1,613,198 alleles (0.018%); highest among the groups gnomAD compares: African/African-American, 0.31%; no homozygotes.

Submission:

PreventionGenetics, part of Exact Sciences
Classification: Likely benign for ZMYM2-related condition. Last evaluated: 2019-02-19. Review status: no assertion criteria provided. Collection method: clinical testing. Allele origin: germline.
Comment: This variant is classified as likely benign based on ACMG/AMP sequence variant interpretation guidelines (Richards et al. 2015 PMID: 25741868, with internal and published modifications).